The following is an entry in ClinVar:

ClinVar aggregate classification (germline): Conflicting classifications of pathogenicity. Review status: criteria provided, conflicting classifications (1 of 4 stars). 2 submissions from 2 submitters: Uncertain significance (1); Likely benign (1). Last evaluated 2026-01-26.

Conditions:
Hereditary cancer-predisposing syndrome. Also called: Neoplastic Syndromes, Hereditary; Hereditary neoplastic syndrome; Tumor predisposition; Hereditary Cancer Syndrome. Identifiers: Orphanet 140162, MedGen C0027672, MeSH D009386, MONDO:0015356.
Hereditary diffuse gastric adenocarcinoma (HDGC). Also called: DIFFUSE GASTRIC AND LOBULAR BREAST CANCER SYNDROME. Identifiers: Orphanet 26106, MedGen C1708349, MONDO:0007648, OMIM 137215.

Allele frequency attached by ClinVar (database versions not stated): gnomAD exomes below 0.00001.
gnomAD v4.1: 1 of 1,614,182 alleles (0.000062%); highest among the groups gnomAD compares: Non-Finnish European, 0.000085%; no homozygotes.

Submissions (2):

Labcorp Genetics (formerly Invitae), Labcorp
Classification: Uncertain significance for Hereditary diffuse gastric adenocarcinoma. Last evaluated: 2026-01-26. Review status: criteria provided, single submitter. Criteria: Invitae Variant Classification Sherloc (09022015). Collection method: clinical testing. Allele origin: germline.
Comment: This sequence change replaces isoleucine, which is neutral and non-polar, with valine, which is neutral and non-polar, at codon 319 of the CDH1 protein (p.Ile319Val). This variant is present in population databases (no rsID available, gnomAD 0.0009%). This variant has not been reported in the literature in individuals affected with CDH1-related conditions. ClinVar contains an entry for this variant (Variation ID: 532476). An algorithm developed to predict the effect of missense changes on protein structure and function outputs the following: PolyPhen-2: "Benign". The valine amino acid residue is found in multiple mammalian species, which suggests that this missense change does not adversely affect protein function. In summary, the available evidence is currently insufficient to determine the role of this variant in disease. Therefore, it has been classified as a Variant of Uncertain Significance.

Ambry Genetics
Classification: Likely benign for Hereditary cancer-predisposing syndrome. Last evaluated: 2023-11-21. Review status: criteria provided, single submitter. Criteria: Ambry Variant Classification Scheme 2023. Collection method: clinical testing. Allele origin: germline.

Literature cited by the submitters: PubMed 33471991 (cited by Ambry Genetics).

NM_004360.5(CDH1):c.955A>G (p.Ile319Val)

Gene: CDH1 (cadherin 1; plus strand). Cytogenetic location: 16q22.1.
Variant type: single nucleotide variant.
Coding change: c.955A>G on transcript NM_004360.5 (MANE Select); coding-DNA position 955, A replaced by G.
Protein change: p.Ile319Val; replaces isoleucine 319 with valine.
Molecular consequence: missense variant. On other transcripts: 5 prime UTR variant (2).
Genome position (GRCh38, 1-based): chr16:68,811,806, A>G. VCF-style: chr16-68811806-A-G. GRCh37 (hg19) VCF-style: chr16-68845709-A-G.
Other names: c.955A>G, p.Ile319Val (NM_001317184.2); c.-865A>G (NM_001317186.2); c.-661A>G (NM_001317185.2); c.955A>G (LRG_301t1); short protein forms I319V.
Identifiers: ClinVar variation 532476 (VCV000532476.12), dbSNP rs1486730461, ClinGen allele CA396459801.